The following is an entry in ClinVar:

NM_005529.7(HSPG2):c.13037G>A (p.Gly4346Asp)

Genes: HSPG2 (heparan sulfate proteoglycan 2; minus strand), LDLRAD2 (low density lipoprotein receptor class A domain containing 2; plus strand). Cytogenetic location: 1p36.12.
Variant type: single nucleotide variant.
Coding change: c.13037G>A on transcript NM_005529.7 (MANE Select); coding-DNA position 13037, G replaced by A.
Protein change: p.Gly4346Asp; replaces glycine 4346 with aspartic acid.
Molecular consequence: missense variant. On other transcripts: 3 prime UTR variant (1).
Genome position (GRCh38, 1-based): chr1:21,823,455, C>T on the plus strand (G>A on the coding strand, the complement: HSPG2 is on the minus strand). VCF-style: chr1-21823455-C-T. GRCh37 (hg19) VCF-style: chr1-22149948-C-T.
Other names: c.13040G>A, p.Gly4347Asp (NM_001291860.2); c.*1240C>T (NM_001013693.3); short protein forms G4346D, G4347D.
Identifiers: ClinVar variation 1420191 (VCV001420191.10), dbSNP rs748956430, ClinGen allele CA669143.

ClinVar aggregate classification (germline): Uncertain significance. Review status: criteria provided, multiple submitters, no conflicts (2 of 4 stars). 3 submissions from 3 submitters: Uncertain significance (3). Last evaluated 2024-09-16.

Conditions:
Inborn genetic diseases. Identifiers: MedGen C0950123, MeSH D030342.

Allele frequency attached by ClinVar (database versions not stated): ExAC 0.00001; gnomAD 0.00003; gnomAD exomes 0.00003 and 0.00004; TOPMed 0.00005.
gnomAD v4.1: 70 of 1,594,368 alleles (0.0044%); highest among the groups gnomAD compares: Non-Finnish European, 0.0053%; no homozygotes.

Submissions (3):

Labcorp Genetics (formerly Invitae), Labcorp
Classification: Uncertain significance. Last evaluated: 2024-09-16. Review status: criteria provided, single submitter. Criteria: Invitae Variant Classification Sherloc (09022015). Collection method: clinical testing. Allele origin: germline.
Comment: This sequence change replaces glycine, which is neutral and non-polar, with aspartic acid, which is acidic and polar, at codon 4346 of the HSPG2 protein (p.Gly4346Asp). The frequency data for this variant in the population databases is considered unreliable, as metrics indicate poor data quality at this position in the gnomAD database. This variant has not been reported in the literature in individuals affected with HSPG2-related conditions. ClinVar contains an entry for this variant (Variation ID: 1420191). An algorithm developed to predict the effect of missense changes on protein structure and function (PolyPhen-2) suggests that this variant is likely to be disruptive. In summary, the available evidence is currently insufficient to determine the role of this variant in disease. Therefore, it has been classified as a Variant of Uncertain Significance.

Ambry Genetics
Classification: Uncertain significance for Inborn genetic diseases. Last evaluated: 2022-12-05. Review status: criteria provided, single submitter. Criteria: Ambry Variant Classification Scheme 2023. Collection method: clinical testing. Allele origin: germline.

Revvity Omics, Revvity
Classification: Uncertain significance. Last evaluated: 2019-12-16. Review status: criteria provided, single submitter. Criteria: ACMG Guidelines, 2015. Collection method: clinical testing. Allele origin: germline.